The following is an entry in ClinVar:

ClinVar aggregate classification (germline): Uncertain significance (1 of 4 stars; one submission).

Allele frequency attached by ClinVar (database versions not stated): gnomAD 0.00001; ExAC 0.00002; 1000 Genomes Project 30x 0.00016; 1000 Genomes Project 0.00020.
gnomAD v4.1: 2 of 1,610,590 alleles (0.00012%); highest among the groups gnomAD compares: East Asian, 0.0045%; no homozygotes.

Submission:

Labcorp Genetics (formerly Invitae), Labcorp
Classification: Uncertain significance. Last evaluated: 2022-10-08. Review status: criteria provided, single submitter. Criteria: Invitae Variant Classification Sherloc (09022015). Collection method: clinical testing. Allele origin: germline.
Comment: In summary, the available evidence is currently insufficient to determine the role of this variant in disease. Therefore, it has been classified as a Variant of Uncertain Significance. Advanced modeling of protein sequence and biophysical properties (such as structural, functional, and spatial information, amino acid conservation, physicochemical variation, residue mobility, and thermodynamic stability) has been performed at Invitae for this missense variant, however the output from this modeling did not meet the statistical confidence thresholds required to predict the impact of this variant on GUCY2C protein function. This variant has not been reported in the literature in individuals affected with GUCY2C-related conditions. This variant is present in population databases (rs571172571, gnomAD 0.01%). This sequence change replaces alanine, which is neutral and non-polar, with aspartic acid, which is acidic and polar, at codon 324 of the GUCY2C protein (p.Ala324Asp).

NM_004963.4(GUCY2C):c.971C>A (p.Ala324Asp)

Genes: GUCY2C (guanylate cyclase 2C; minus strand), GUCY2C-AS1 (GUCY2C antisense RNA 1; plus strand). Cytogenetic location: 12p12.3.
Variant type: single nucleotide variant.
Coding change: c.971C>A on transcript NM_004963.4 (MANE Select); coding-DNA position 971, C replaced by A.
Protein change: p.Ala324Asp; replaces alanine 324 with aspartic acid.
Molecular consequence: missense variant.
Genome position (GRCh38, 1-based): chr12:14,674,738, G>T on the plus strand (C>A on the coding strand, the complement: GUCY2C is on the minus strand). VCF-style: chr12-14674738-G-T. GRCh37 (hg19) VCF-style: chr12-14827672-G-T.
Other names: short protein forms A324D.
Identifiers: ClinVar variation 1943444 (VCV001943444.5), dbSNP rs571172571, ClinGen allele CA6463592.
Genomic context (GRCh38, chr12:14,674,738, plus strand): 5'-TCTCCATTTTCAAGAAATATCTTCAGCATATGTCCAAAGAGCAGGATTCCATTCAAATAG[G>T]CAAGAGCAAAGTCTCGTTTTGTCTAAATAAAAAAGGAAAATATTAAAACGGGTCCTTCAA-3'
Protein context (NP_004954.2, residues 314-334): LSPTKRDFAL[Ala324Asp]YLNGILLFGH